The following is an entry in ClinVar:

ClinVar aggregate classification (germline): Uncertain significance (1 of 4 stars; one submission).

Submission:

GeneDx
Classification: Uncertain significance. Last evaluated: 2025-01-22. Review status: criteria provided, single submitter. Criteria: GeneDx Variant Classification Process June 2021. Collection method: clinical testing. Allele origin: germline. Affected: yes.
Comment: Not observed at significant frequency in large population cohorts (gnomAD); In silico analysis indicates that this missense variant does not alter protein structure/function; Has not been previously published as pathogenic or benign to our knowledge

NM_024422.6(DSC2):c.2699A>G (p.Lys900Arg)

Gene: DSC2 (desmocollin 2; minus strand). Cytogenetic location: 18q12.1.
Variant type: single nucleotide variant.
Coding change: c.2699A>G on transcript NM_024422.6 (MANE Select); coding-DNA position 2699, A replaced by G.
Protein change: p.Lys900Arg; replaces lysine 900 with arginine.
Molecular consequence: missense variant. On other transcripts: 3 prime UTR variant (2).
Genome position (GRCh38, 1-based): chr18:31,068,022, T>C on the plus strand (A>G on the coding strand, the complement: DSC2 is on the minus strand). VCF-style: chr18-31068022-T-C. GRCh37 (hg19) VCF-style: chr18-28647988-T-C.
Other names: c.2270A>G, p.Lys757Arg (NM_001406506.1); c.*201A>G (NM_001406507.1, NM_004949.5); short protein forms K757R, K900R.
Identifiers: ClinVar variation 4071820 (VCV004071820.1).
Genomic context (GRCh38, chr18:31,068,022, plus strand): 5'-TTTTTTTTAAAAGTCATAAAGCCACTGGCTTTCAGAGACTTATTAGAACACACTCATCTC[T>C]TCATGCATGCTTCTGCTAGTGTCCTAAATTTGGGCTCCAAATTATCCAAAAATTCAAGCC-3'
Protein context (NP_077740.1, residues 890-901): KFRTLAEACM[Lys900Arg]R